The following is an entry in ClinVar:

ClinVar aggregate classification (germline): Benign (0 of 4 stars; one submission).

Conditions:
DNMBP-related disorder. Also called: DNMBP-related condition.

Allele frequency attached by ClinVar (database versions not stated): TOPMed 0.02954; gnomAD 0.03176; ESP Exome Variant Server 0.03245; 1000 Genomes Project 30x 0.03513; gnomAD exomes 0.03676; 1000 Genomes Project 0.03694; ExAC 0.04510.
gnomAD v4.1: 58,381 of 1,611,026 alleles (3.6%); highest among the groups gnomAD compares: South Asian, 8.8%; 1,341 homozygotes.

Submission:

PreventionGenetics, part of Exact Sciences
Classification: Benign for DNMBP-related condition. Last evaluated: 2019-04-05. Review status: no assertion criteria provided. Collection method: clinical testing. Allele origin: germline.
Comment: This variant is classified as benign based on ACMG/AMP sequence variant interpretation guidelines (Richards et al. 2015 PMID: 25741868, with internal and published modifications).

NM_015221.4(DNMBP):c.3708C>T (p.Thr1236=)

Gene: DNMBP (dynamin binding protein; minus strand). Cytogenetic location: 10q24.2.
Variant type: single nucleotide variant.
Coding change: c.3708C>T on transcript NM_015221.4 (MANE Select); coding-DNA position 3708, C replaced by T.
Protein change: p.Thr1236=; no amino-acid change (threonine 1236 retained).
Molecular consequence: synonymous variant.
Genome position (GRCh38, 1-based): chr10:99,885,777, G>A on the plus strand (C>T on the coding strand, the complement: DNMBP is on the minus strand). VCF-style: chr10-99885777-G-A. GRCh37 (hg19) VCF-style: chr10-101645534-G-A.
Other names: c.2604C>T, p.Thr868= (NM_001318326.2); c.1446C>T, p.Thr482= (NM_001318327.2).
Identifiers: ClinVar variation 3059198 (VCV003059198.2), dbSNP rs41290514, ClinGen allele CA5644472.
Genomic context (GRCh38, chr10:99,885,777, plus strand): 5'-GCGGTCAATGGTTTTCCTCTCAAATGGCTTCTTGGTAGCTGGAAGAGACTCCGGGAAGAA[G>A]GTAAAAACCTGGAGTTGCTGCAGAACTCTGCTGTGCTCTTCGTGGAAGATGGCAATAAGG-3'
Protein context (NP_056036.1, residues 1226-1246): SRVLQQLQVF[Thr1236=]FFPESLPATK